The following is an entry in ClinVar:

ClinVar aggregate classification (germline): Uncertain significance. Review status: criteria provided, multiple submitters, no conflicts (2 of 4 stars). 4 submissions from 4 submitters: Uncertain significance (4). Last evaluated 2025-04-20.

Conditions:
Inborn genetic diseases. Identifiers: MedGen C0950123, MeSH D030342.
Autosomal dominant limb-girdle muscular dystrophy type 1F (LGMDD2). Also called: MUSCULAR DYSTROPHY, LIMB-GIRDLE, AUTOSOMAL DOMINANT 2; Limb-girdle muscular dystrophy, type 1F. Identifiers: Orphanet 55595, MedGen C1842062, MONDO:0012034, OMIM 608423.

Allele frequency attached by ClinVar (database versions not stated): gnomAD exomes below 0.00001; gnomAD 0.00001.
gnomAD v4.1: 3 of 1,614,002 alleles (0.00019%); highest among the groups gnomAD compares: Non-Finnish European, 0.00017%; no homozygotes.

Submissions (4):

Ambry Genetics
Classification: Uncertain significance for Inborn genetic diseases. Last evaluated: 2025-04-20. Review status: criteria provided, single submitter. Criteria: Ambry Variant Classification Scheme 2023. Collection method: clinical testing. Allele origin: germline.

Revvity Omics, Revvity
Classification: Uncertain significance for Autosomal dominant limb-girdle muscular dystrophy type 1F. Last evaluated: 2020-07-28. Review status: criteria provided, single submitter. Criteria: ACMG Guidelines, 2015. Collection method: clinical testing. Allele origin: germline.

Labcorp Genetics (formerly Invitae), Labcorp
Classification: Uncertain significance for Autosomal dominant limb-girdle muscular dystrophy type 1F. Last evaluated: 2018-02-08. Review status: criteria provided, single submitter. Criteria: Invitae Variant Classification Sherloc (09022015). Collection method: clinical testing. Allele origin: germline.
Comment: This variant is not present in population databases (ExAC no frequency). This sequence change replaces glutamic acid with aspartic acid at codon 325 of the TNPO3 protein (p.Glu325Asp). The glutamic acid residue is moderately conserved and there is a small physicochemical difference between glutamic acid and aspartic acid. This variant has not been reported in the literature in individuals with TNPO3-related disease. Algorithms developed to predict the effect of missense changes on protein structure and function (SIFT, PolyPhen-2, Align-GVGD) all suggest that this variant is likely to be tolerated, but these predictions have not been confirmed by published functional studies and their clinical significance is uncertain. In summary, the available evidence is currently insufficient to determine the role of this variant in disease. Therefore, it has been classified as a Variant of Uncertain Significance.

Eurofins Ntd Llc (ga)
Classification: Uncertain significance. Last evaluated: 2016-10-10. Review status: criteria provided, single submitter. Criteria: EGL Classification Definitions 2015. Collection method: clinical testing. Allele origin: germline. Observed: 1 variant allele, 1 heterozygote.

NM_012470.4(TNPO3):c.975G>C (p.Glu325Asp)

Gene: TNPO3 (transportin 3; minus strand). Cytogenetic location: 7q32.1.
Variant type: single nucleotide variant.
Coding change: c.975G>C on transcript NM_012470.4 (MANE Select); coding-DNA position 975, G replaced by C.
Protein change: p.Glu325Asp; replaces glutamic acid 325 with aspartic acid.
Molecular consequence: missense variant. On other transcripts: non-coding transcript variant (18).
Genome position (GRCh38, 1-based): chr7:129,000,465, C>G on the plus strand (G>C on the coding strand, the complement: TNPO3 is on the minus strand). VCF-style: chr7-129000465-C-G. GRCh37 (hg19) VCF-style: chr7-128640519-C-G.
Other names: c.975G>C, p.Glu325Asp (NM_001191028.3, NM_001382216.1, NM_001382218.1 and 4 more transcripts); c.1056G>C, p.Glu352Asp (NM_001382217.1); c.831G>C, p.Glu277Asp (NM_001382221.1); short protein forms E325D, E277D, E352D.
Identifiers: ClinVar variation 497830 (VCV000497830.16), dbSNP rs1415790123, ClinGen allele CA369237912.